The following is an entry in ClinVar:

NM_002693.3(POLG):c.2128G>A (p.Ala710Thr)

Gene: POLG (DNA polymerase gamma, catalytic subunit; minus strand). Cytogenetic location: 15q26.1.
Variant type: single nucleotide variant.
Coding change: c.2128G>A on transcript NM_002693.3 (MANE Select); coding-DNA position 2128, G replaced by A.
Protein change: p.Ala710Thr; replaces alanine 710 with threonine.
Molecular consequence: missense variant.
Genome position (GRCh38, 1-based): chr15:89,323,844, C>T on the plus strand (G>A on the coding strand, the complement: POLG is on the minus strand). VCF-style: chr15-89323844-C-T. GRCh37 (hg19) VCF-style: chr15-89867075-C-T.
Other names: c.2128G>A, p.Ala710Thr (NM_001126131.2); short protein forms A710T.
Identifiers: ClinVar variation 1715696 (VCV001715696.6), dbSNP rs2509232200, ClinGen allele CA393757108.

ClinVar aggregate classification (germline): Uncertain significance (1 of 4 stars; one submission).

Conditions:
Progressive sclerosing poliodystrophy (MTDPS4A). Also called: NEURONAL DEGENERATION OF CHILDHOOD WITH LIVER DISEASE, PROGRESSIVE; Alpers Syndrome; ALPERS DIFFUSE DEGENERATION OF CEREBRAL GRAY MATTER WITH HEPATIC CIRRHOSIS; Alpers-Huttenlocher Syndrome; Mitochondrial DNA Depletion Syndrome 4A; Alpers-Huttenlocher Syndrome (AHS). Identifiers: Orphanet 726, MedGen C0205710, MONDO:0008758, OMIM 203700.

Allele frequency attached by ClinVar (database versions not stated): gnomAD exomes below 0.00001.
gnomAD v4.1: 2 of 1,614,128 alleles (0.00012%); highest among the groups gnomAD compares: Non-Finnish European, 0.00017%; no homozygotes.

Submission:

Labcorp Genetics (formerly Invitae), Labcorp
Classification: Uncertain significance for Progressive sclerosing poliodystrophy. Last evaluated: 2022-08-08. Review status: criteria provided, single submitter. Criteria: Invitae Variant Classification Sherloc (09022015). Collection method: clinical testing. Allele origin: germline.
Comment: In summary, the available evidence is currently insufficient to determine the role of this variant in disease. Therefore, it has been classified as a Variant of Uncertain Significance. Algorithms developed to predict the effect of missense changes on protein structure and function output the following: SIFT: "Tolerated"; PolyPhen-2: "Benign"; Align-GVGD: "Class C0". The threonine amino acid residue is found in multiple mammalian species, which suggests that this missense change does not adversely affect protein function. This variant has not been reported in the literature in individuals affected with POLG-related conditions. This variant is not present in population databases (gnomAD no frequency). This sequence change replaces alanine, which is neutral and non-polar, with threonine, which is neutral and polar, at codon 710 of the POLG protein (p.Ala710Thr).